The following is an entry in ClinVar:

NM_000091.5(COL4A3):c.4981C>T (p.Arg1661Cys)

Genes: COL4A3 (collagen type IV alpha 3 chain; plus strand), MFF-DT (MFF divergent transcript; minus strand). Cytogenetic location: 2q36.3.
Variant type: single nucleotide variant.
Coding change: c.4981C>T on transcript NM_000091.5 (MANE Select); coding-DNA position 4981, C replaced by T.
Protein change: p.Arg1661Cys; replaces arginine 1661 with cysteine.
Molecular consequence: missense variant.
Genome position (GRCh38, 1-based): chr2:227,311,838, C>T. VCF-style: chr2-227311838-C-T. GRCh37 (hg19) VCF-style: chr2-228176554-C-T.
Other names: NM_000091.4(COL4A3):c.4981C>T(p.Arg1661Cys); p.(Arg1661Cys); short protein forms R1661C.
Identifiers: ClinVar variation 287915 (VCV000287915.83), dbSNP rs201697532, ClinGen allele CA2147699.

ClinVar aggregate classification (germline): Conflicting classifications of pathogenicity. Review status: criteria provided, conflicting classifications (1 of 4 stars). 34 submissions from 31 submitters: Pathogenic (17); Likely pathogenic (14); Uncertain significance (1). 2 of the submissions do not count toward it. Last evaluated 2026-08-10.

Conditions:
Alport syndrome 3b, autosomal recessive. Identifiers: MedGen C5882699, MONDO:0957811, OMIM 620536.
Autosomal dominant Alport syndrome (ATS3A). Also called: ALPORT SYNDROME 3A, AUTOSOMAL DOMINANT; Alport syndrome dominant type; Renal failure and sensorineural hearing loss. Identifiers: Orphanet 63, Orphanet 88918, MedGen C5882663, MONDO:0007086, OMIM 104200.
Hematuria, benign familial, 2 (BFH2). Identifiers: MedGen C5830421, MONDO:0958186, OMIM 620320.
COL4A3-related disorder. Also called: COL4A3-related condition; COL4A3-Related Disorders.
Benign familial hematuria. Also called: thin basement membrane disease. Identifiers: MedGen C0241908, MONDO:0957317.
Autosomal recessive Alport syndrome (ATS2). Also called: ALPORT SYNDROME 2, AUTOSOMAL RECESSIVE; COL4A4 Alport Syndrome and Thin Basement Membrane Nephropathy; Alport syndrome type 2; COL4A3-Related Nephropathy. Identifiers: Orphanet 63, Orphanet 88919, MedGen C4746745, MONDO:0008762, OMIM 203780.
Alport syndrome. Also called: Hemorrhagic familial nephritis; Hemorrhagic hereditary nephritis; Congenital hereditary hematuria. Identifiers: Orphanet 63, MedGen C1567741, MONDO:0018965.

Allele frequency attached by ClinVar (database versions not stated): 1000 Genomes Project 30x 0.00016; ExAC 0.00031; gnomAD exomes 0.00036; gnomAD 0.00039; TOPMed 0.00042; ESP Exome Variant Server 0.00051.
gnomAD v4.1: 953 of 1,613,914 alleles (0.059%); highest among the groups gnomAD compares: Non-Finnish European, 0.073%; 3 homozygotes.

Submissions 1 to 7 of 34:

GeneDx
Classification: Pathogenic. Last evaluated: 2026-08-10. Review status: criteria provided, single submitter. Criteria: GeneDx Variant Classification Process June 2021. Collection method: clinical testing. Allele origin: germline.
Comment: Reported in the heterozygous state in patients with varying renal presentations in published literature (PMID: 30406062, 30773290, 25229338, 33774617, 36013122, 11134255, 34746741); In silico analysis supports that this missense variant has a deleterious effect on protein structure/function; This variant is associated with the following publications: (PMID: 38972501, 36117978, 37734845, 30487145, 20847057, 33774617, 32939031, 32359821, 11134255, 34746741, 34313030, 30586318, 33532864, 37163122, 27485810, Bailo[CaseReport]2021, 26809805, 24052634, 29946535, 38523675, 39071776, 30406062, 30773290, 25229338, 36013122)

PreventionGenetics, part of Exact Sciences
Classification: Pathogenic for COL4A3-related condition. Last evaluated: 2026-05-26. Review status: criteria provided, single submitter. Criteria: ACMG Guidelines, 2015. Collection method: clinical testing. Allele origin: germline.
Comment: The COL4A3 c.4981C>T variant is predicted to result in the amino acid substitution p.Arg1661Cys. The p.Arg1661 residue is within in the 3' terminal non-collagenous domain. This variant has been widely reported in the compound heterozygous state or in the heterozygous status in individuals with COL4A3-related Alport syndrome spectrum disorders (see for example, autosomal recessive cases in Supplementary Table 1 of Ćomić et al. 2022. PubMed ID: 36117978 and Storey et al. 2013. PubMed ID: 24052634; in autosomal dominant cases in Malone et al. 2014. PubMed ID: 25229338 and Connaughton et al. 2019. PubMed ID: 30773290). This variant is reported in 0.058% of alleles in individuals of European (Non-Finnish) descent in gnomAD. This variant is interpreted as pathogenic for both autosomal dominant and recessive COL4A3-related Alport syndrome spectrum disorders.

Centre de Génétique Humaine, Institut de Pathologie Et de Génétique
Classification: Likely pathogenic for Alport syndrome 3b, autosomal recessive. Last evaluated: 2026-03-18. Review status: criteria provided, single submitter. Criteria: ACMG Guidelines, 2015. Collection method: clinical testing. Allele origin: maternal, paternal. Inheritance: Autosomal recessive inheritance. Affected: yes. Observed: 4 variant alleles, 4 compound heterozygotes. Clinical features observed: Hematuria (HP:0000790), Proteinuria (HP:0000093), Renal cyst (HP:0000107), Microscopic hematuria (HP:0002907), Stage 5 chronic kidney disease (HP:0003774), Sensorineural hearing loss disorder (HP:0000407). Segregation with disease observed.
Comment: This missense variant involves a highly conserved arginine located in carboxy terminal non-collagenous region (PM1,PP2). This variant has a allelic frequency of 0.059% in gnomAD v4.1.0 database. Another missense variant affecting the same residue described : c.4982G>A, p.Ag166His: PMID: 33772369 (PM5) In silico analysis supports that this missense variant has a deleterious effect (PP3). Detected as heterozygous in compound heterozygous patients with AR Alport S or FSGS and as heterozygous in a family with(PP5)

Centre de Génétique Humaine, Institut de Pathologie Et de Génétique
Classification: Likely pathogenic for Autosomal dominant Alport syndrome. Last evaluated: 2026-03-18. Review status: criteria provided, single submitter. Criteria: ACMG Guidelines, 2015. Collection method: clinical testing. Allele origin: germline, paternal. Inheritance: Autosomal dominant inheritance. Affected: yes. Observed: 3 variant alleles, 3 heterozygotes. Clinical features observed: Microscopic hematuria (HP:0002907), Proteinuria (HP:0000093), Chronic kidney disease (HP:0012622). Segregation with disease observed.
Comment: the same text as in the submission from Centre de Génétique Humaine, Institut de Pathologie Et de Génétique above.

Victorian Clinical Genetics Services, Murdoch Childrens Research Institute
Classification: Pathogenic for Alport syndrome. Last evaluated: 2026-01-27. Review status: criteria provided, single submitter. Criteria: ACMG Guidelines, 2015. Collection method: clinical testing. Allele origin: germline. Affected: yes.
Comment: This variant is classified as Pathogenic. Evidence in support of pathogenic classification: Variant is present in gnomAD <0.01 for a recessive condition (v4: 947 heterozygote(s), 3 homozygote(s)); This variant has strong previous evidence of pathogenicity in unrelated individuals. This variant has been classified as likely pathogenic/pathogenic by multiple clinical laboratories in ClinVar. This variant has been reported in the literature in several compound heterozygous individuals with Alport syndrome (PMIDs: 24052634, 29946535, 37362409); Missense variant consistently predicted to be damaging by in silico tool or highly conserved with a major amino acid change. Additional information: Variant is predicted to result in a missense amino acid change from arginine to cysteine; This variant is heterozygous; This gene is associated with both recessive and dominant Alport syndrome (MONDO:0018965), COL4A3-related; An alternative amino acid change at the same position has been observed in gnomAD (v2) (9 heterozygotes, 0 homozygotes); Variant is located in the annotated C4 domain (DECIPHER); Loss of function is a known mechanism of disease for this gene and is associated with Alport syndrome (MONDO:0018965), COL4A3-related. Dominant negative is a suspected mechanism of disease for glycine changes that are part of a G-X-Y repeat in the triple helix of a collagen domain (PMIDs: 12028435, 24046192, 38214412); Inheritance information for this variant is not currently available in this individual.

Natera, Inc.
Classification: Pathogenic for Alport syndrome. Last evaluated: 2026-01-23. Review status: criteria provided, single submitter. Criteria: Natera Variant Classification Schema (03/2026). Collection method: clinical testing. Allele origin: germline.
Comment: The c.4981C>T variant in COL4A3 is a missense variant predicted to cause substitution of arginine to cysteine at amino acid 1661. This variant is rare in the general population with a frequency below the threshold expected for the associated phenotype(s). This variant has been observed in one or more individuals affected with the associated recessive disease, as either homozygous or compound heterozygous with a second variant (PMID: 24052634). Given the available evidence, this variant is classified as Pathogenic.

Labcorp Genetics (formerly Invitae), Labcorp
Classification: Pathogenic. Last evaluated: 2026-01-21. Review status: criteria provided, single submitter. Criteria: Invitae Variant Classification Sherloc (09022015). Collection method: clinical testing. Allele origin: germline.
Comment: This sequence change replaces arginine, which is basic and polar, with cysteine, which is neutral and slightly polar, at codon 1661 of the COL4A3 protein (p.Arg1661Cys). This variant is present in population databases (rs201697532, gnomAD 0.06%), including at least one homozygous and/or hemizygous individual. This missense change has been observed in individual(s) with Alport syndrome (PMID: 11134255, 24052634, 26809805; internal data). In at least one individual the data is consistent with being in trans (on the opposite chromosome) from a pathogenic variant. ClinVar contains an entry for this variant (Variation ID: 287915). Invitae Evidence Modeling of protein sequence and biophysical properties (such as structural, functional, and spatial information, amino acid conservation, physicochemical variation, residue mobility, and thermodynamic stability) indicates that this missense variant is expected to disrupt COL4A3 protein function with a positive predictive value of 95%. For these reasons, this variant has been classified as Pathogenic.